The following is an entry in ClinVar:

NM_012123.4(MTO1):c.78C>G (p.Ser26Arg)

Gene: MTO1 (mitochondrial tRNA translation optimization 1; plus strand). Cytogenetic location: 6q13.
Variant type: single nucleotide variant.
Coding change: c.78C>G on transcript NM_012123.4 (MANE Select); coding-DNA position 78, C replaced by G.
Protein change: p.Ser26Arg; replaces serine 26 with arginine.
Molecular consequence: missense variant.
Genome position (GRCh38, 1-based): chr6:73,461,932, C>G. VCF-style: chr6-73461932-C-G. GRCh37 (hg19) VCF-style: chr6-74171655-C-G.
Other names: c.78C>G, p.Ser26Arg (NM_001123226.2, NM_133645.3); short protein forms S26R.
Identifiers: ClinVar variation 1367659 (VCV001367659.3), dbSNP rs924867881, ClinGen allele CA140948573.
Genomic context (GRCh38, chr6:73,461,932, plus strand): 5'-CTGTGGCCGTTGGGTCGCGGTTTCCTTCACCAAGCAGCAATTTCCGTTGGCACGGTTGAG[C>G]AGTGACAGCGCGGCGCCCCGGACTCCGCACTTCGACGTGATAGTCATTGGTGGAGGACAT-3'
Protein context (NP_036255.2, residues 16-36): TKQQFPLARL[Ser26Arg]SDSAAPRTPH

ClinVar aggregate classification (germline): Uncertain significance (1 of 4 stars; one submission).

Conditions:
Mitochondrial hypertrophic cardiomyopathy with lactic acidosis due to MTO1 deficiency. Also called: Combined oxidative phosphorylation deficiency 10; CARDIOMYOPATHY, INFANTILE HYPERTROPHIC MITOCHONDRIAL, AND LACTIC ACIDOSIS. Identifiers: Orphanet 314637, MedGen C4749921, MONDO:0013865, OMIM 614702.

Allele frequency attached by ClinVar (database versions not stated): gnomAD exomes 0.00002; TOPMed 0.00002; gnomAD 0.00003 and 0.00004.
gnomAD v4.1: 35 of 1,614,126 alleles (0.0022%); highest among the groups gnomAD compares: Non-Finnish European, 0.0028%; no homozygotes.

Submission:

Labcorp Genetics (formerly Invitae), Labcorp
Classification: Uncertain significance for Mitochondrial hypertrophic cardiomyopathy with lactic acidosis due to MTO1 deficiency. Last evaluated: 2022-10-17. Review status: criteria provided, single submitter. Criteria: Invitae Variant Classification Sherloc (09022015). Collection method: clinical testing. Allele origin: germline.
Comment: This sequence change replaces serine, which is neutral and polar, with arginine, which is basic and polar, at codon 26 of the MTO1 protein (p.Ser26Arg). This variant is present in population databases (no rsID available, gnomAD 0.007%). This variant has not been reported in the literature in individuals affected with MTO1-related conditions. ClinVar contains an entry for this variant (Variation ID: 1367659). Algorithms developed to predict the effect of missense changes on protein structure and function output the following: SIFT: "Tolerated"; PolyPhen-2: "Benign"; Align-GVGD: "Class C0". The arginine amino acid residue is found in multiple mammalian species, which suggests that this missense change does not adversely affect protein function. In summary, the available evidence is currently insufficient to determine the role of this variant in disease. Therefore, it has been classified as a Variant of Uncertain Significance.